The following is an entry in ClinVar:

ClinVar aggregate classification (germline): Uncertain significance (1 of 4 stars; one submission).

Conditions:
Emery-Dreifuss muscular dystrophy 5, autosomal dominant (EDMD5). Also called: EMERY-DREIFUSS MUSCULAR DYSTROPHY 5. Identifiers: Orphanet 261, MedGen C2751805, MONDO:0013072, OMIM 612999.

Allele frequency attached by ClinVar (database versions not stated): TOPMed below 0.00001; ExAC 0.00001; gnomAD 0.00001; gnomAD exomes 0.00001 and 0.00002.
gnomAD v4.1: 6 of 1,613,724 alleles (0.00037%); highest among the groups gnomAD compares: Admixed American, 0.01%; no homozygotes.

Submission:

Labcorp Genetics (formerly Invitae), Labcorp
Classification: Uncertain significance for Emery-Dreifuss muscular dystrophy 5, autosomal dominant. Last evaluated: 2022-02-24. Review status: criteria provided, single submitter. Criteria: Invitae Variant Classification Sherloc (09022015). Collection method: clinical testing. Allele origin: germline.
Comment: In summary, the available evidence is currently insufficient to determine the role of this variant in disease. Therefore, it has been classified as a Variant of Uncertain Significance. Algorithms developed to predict the effect of missense changes on protein structure and function output the following: SIFT: "Deleterious"; PolyPhen-2: "Benign"; Align-GVGD: "Class C0". The asparagine amino acid residue is found in multiple mammalian species, which suggests that this missense change does not adversely affect protein function. This variant has not been reported in the literature in individuals affected with SYNE2-related conditions. This variant is present in population databases (rs200505107, gnomAD 0.01%). This sequence change replaces serine, which is neutral and polar, with asparagine, which is neutral and polar, at codon 3676 of the SYNE2 protein (p.Ser3676Asn).

NM_182914.3(SYNE2):c.11027G>A (p.Ser3676Asn)

Gene: SYNE2 (spectrin repeat containing nuclear envelope protein 2; plus strand). Cytogenetic location: 14q23.2.
Variant type: single nucleotide variant.
Coding change: c.11027G>A on transcript NM_182914.3 (MANE Select); coding-DNA position 11027, G replaced by A.
Protein change: p.Ser3676Asn; replaces serine 3676 with asparagine.
Molecular consequence: missense variant.
Genome position (GRCh38, 1-based): chr14:64,078,470, G>A. VCF-style: chr14-64078470-G-A. GRCh37 (hg19) VCF-style: chr14-64545188-G-A.
Other names: c.11027G>A, p.Ser3676Asn (NM_015180.6); short protein forms S3676N.
Identifiers: ClinVar variation 1513503 (VCV001513503.8), dbSNP rs200505107, ClinGen allele CA7221686.